The following is an entry in ClinVar:

NM_032043.3(BRIP1):c.1700_1702inv (p.Lys567_Asn568delinsIleTyr)

Gene: BRIP1 (BRCA1 interacting DNA helicase 1; minus strand). Cytogenetic location: 17q23.2.
Variant type: Inversion.
Coding change: c.1700_1702inv on transcript NM_032043.3 (MANE Select).
Protein change: p.Lys567_Asn568delinsIleTyr.
Molecular consequence: missense variant.
Genome position: GRCh38 VCF-style: chr17-61780932-TTT-AAA. GRCh37 (hg19) VCF-style: chr17-59858293-TTT-AAA.
Other names: c.1700_1702delAAAinsTTT (NM_032043.2).
Identifiers: ClinVar variation 1778340 (VCV001778340.3), ClinGen allele CA2580094521.

ClinVar aggregate classification (germline): Uncertain significance (1 of 4 stars; one submission).

Conditions:
Hereditary cancer-predisposing syndrome. Also called: Neoplastic Syndromes, Hereditary; Tumor predisposition; Hereditary Cancer Syndrome; Hereditary neoplastic syndrome. Identifiers: Orphanet 140162, MedGen C0027672, MeSH D009386, MONDO:0015356.

Submission:

Ambry Genetics
Classification: Uncertain significance for Hereditary cancer-predisposing syndrome. Last evaluated: 2025-07-25. Review status: criteria provided, single submitter. Criteria: Ambry Variant Classification Scheme 2023. Collection method: clinical testing. Allele origin: germline.
Comment: The c.1700_1702delAAAinsTTT variant (also known as p.K567_N568delinsIY), located in coding exon 11 of the BRIP1 gene, results from an in-frame deletion of AAA and insertion of TTT at nucleotide positions 1700 to 1702. This results in the substitution of lysine and asparagine residues for isoleucine and tyrosine residues at codons 567 and 568. These amino acid positions are well conserved in available vertebrate species. In addition, the in silico prediction for this alteration is inconclusive (Choi Y et al. PLoS ONE. 2012; 7(10):e46688). Since supporting evidence is limited at this time, the clinical significance of this alteration remains unclear.